The following is an entry in ClinVar:

ClinVar aggregate classification (germline): Uncertain significance (1 of 4 stars; one submission).

Conditions:
Frasier syndrome. Identifiers: Orphanet 347, MedGen C0950122, MeSH D052159, MONDO:0007635, OMIM 136680.
Drash syndrome (DDS). Also called: NEPHROPATHY, WILMS TUMOR, AND GENITAL ANOMALIES; WILMS TUMOR AND PSEUDO- OR TRUE HERMAPHRODITISM. Identifiers: Orphanet 220, MedGen C0950121, MONDO:0008682, OMIM 194080.
Wilms tumor 1 (WT1). Also called: Wilms tumor, somatic. Identifiers: Orphanet 654, MedGen CN033288, MONDO:0008679, OMIM 194070.
11p partial monosomy syndrome (WAGR). Also called: CHROMOSOME 11p13 DELETION SYNDROME; WAGR syndrome; WAGR Complex; WAGR Spectrum Disorder. Identifiers: Orphanet 893, MedGen C0206115, MONDO:0008681, OMIM 194072.

Allele frequency attached by ClinVar (database versions not stated): gnomAD exomes below 0.00001.
gnomAD v4.1: 1 of 1,614,158 alleles (0.000062%); highest among the groups gnomAD compares: Non-Finnish European, 0.000085%; no homozygotes.

Submission:

Labcorp Genetics (formerly Invitae), Labcorp
Classification: Uncertain significance for Wilms tumor 1; Drash syndrome; 11p partial monosomy syndrome; Frasier syndrome. Last evaluated: 2023-07-25. Review status: criteria provided, single submitter. Criteria: Invitae Variant Classification Sherloc (09022015). Collection method: clinical testing. Allele origin: germline.
Comment: This sequence change replaces aspartic acid, which is acidic and polar, with valine, which is neutral and non-polar, at codon 248 of the WT1 protein (p.Asp248Val). This variant is not present in population databases (gnomAD no frequency). This variant has not been reported in the literature in individuals affected with WT1-related conditions. An algorithm developed to predict the effect of missense changes on protein structure and function (PolyPhen-2) suggests that this variant is likely to be disruptive. In summary, the available evidence is currently insufficient to determine the role of this variant in disease. Therefore, it has been classified as a Variant of Uncertain Significance.

NM_024426.6(WT1):c.758A>T (p.Asp253Val)

Gene: WT1 (WT1 transcription factor; minus strand). Cytogenetic location: 11p13.
Variant type: single nucleotide variant.
Coding change: c.758A>T on transcript NM_024426.6 (MANE Select); coding-DNA position 758, A replaced by T.
Protein change: p.Asp253Val; replaces aspartic acid 253 with valine.
Molecular consequence: missense variant. On other transcripts: 5 prime UTR variant (1), non-coding transcript variant (2), intron variant (2).
Genome position (GRCh38, 1-based): chr11:32,428,523, T>A on the plus strand (A>T on the coding strand, the complement: WT1 is on the minus strand). VCF-style: chr11-32428523-T-A. GRCh37 (hg19) VCF-style: chr11-32450069-T-A.
Other names: c.758A>T, p.Asp253Val (NM_000378.6, NM_001407044.1, NM_001407045.1 and 4 more transcripts); c.107A>T, p.Asp36Val (NM_001198551.2, NM_001198552.2); c.-5A>T (NM_001407051.1); c.743A>T, p.Asp248Val (NM_024425.2); c.662-465A>T (NM_001407050.1, NM_001407047.1); short protein forms D36V, D248V, D253V.
Identifiers: ClinVar variation 2950018 (VCV002950018.3), dbSNP rs2494431364, ClinGen allele CA379963304.